The following is an entry in ClinVar:

ClinVar aggregate classification (germline): Benign (1 of 4 stars; one submission).

Conditions:
Birt-Hogg-Dube syndrome 1 (BHD1). Also called: FIBROFOLLICULOMAS WITH TRICHODISCOMAS AND ACROCHORDONS. Identifiers: Orphanet 122, MedGen CN375946, MONDO:0800445, OMIM 135150.

Submission:

Myriad Genetics, Inc.
Classification: Benign for Birt-Hogg-Dube syndrome 1. Last evaluated: 2024-10-22. Review status: criteria provided, single submitter. Criteria: Myriad Autosomal Dominant, Autosomal Recessive and X-Linked Classification Criteria (2023). Collection method: clinical testing. Allele origin: unknown.
Comment: This variant is considered benign. This variant is intronic and is not expected to impact mRNA splicing. This variant has been observed at a population frequency that is significantly greater than expected given the associated disease prevalence and penetrance.

NM_144997.7(FLCN):c.397-16_397-14delinsACT

Gene: FLCN (folliculin; minus strand). Cytogenetic location: 17p11.2.
Variant type: Indel.
Coding change: c.397-16_397-14delinsACT on transcript NM_144997.7 (MANE Select); 16 bases into the intron before coding-DNA position 397 through 14 bases into the intron before coding-DNA position 397, GCC replaced by ACT.
Molecular consequence: intron variant.
Genome position (GRCh38, 1-based): chr17:17,224,157-17,224,159, GGC replaced by AGT on the plus strand (GCC replaced by ACT on the coding strand, the reverse complement: FLCN is on the minus strand). VCF-style: chr17-17224157-GGC-AGT. GRCh37 (hg19) VCF-style: chr17-17127471-GGC-AGT.
Other names: c.397-16_397-14delinsACT (NM_001353231.2, NM_001353230.2, NM_144606.7); c.451-16_451-14delinsACT (NM_001353229.2).
Identifiers: ClinVar variation 3773012 (VCV003773012.1).